The following is an entry in ClinVar:

NM_001943.5(DSG2):c.2051G>A (p.Arg684Lys)

Genes: DSG2-AS1 (DSG2 antisense RNA 1; minus strand), DSG2 (desmoglein 2; plus strand). Cytogenetic location: 18q12.1.
Variant type: single nucleotide variant.
Coding change: c.2051G>A on transcript NM_001943.5 (MANE Select); coding-DNA position 2051, G replaced by A.
Protein change: p.Arg684Lys; replaces arginine 684 with lysine.
Molecular consequence: missense variant.
Genome position (GRCh38, 1-based): chr18:31,542,569, G>A. VCF-style: chr18-31542569-G-A. GRCh37 (hg19) VCF-style: chr18-29122532-G-A.
Other names: short protein forms R684K.
Identifiers: ClinVar variation 3386594 (VCV003386594.1).
Genomic context (GRCh38, chr18:31,542,569, plus strand): 5'-TGCTCTCACAGGTGGTGCCATCATTTCTGCCAGTGGATCAAGGGGGCAGTCTAGTAGGAA[G>A]AAATGGAGTAGGAGGTATGGCCAAGGAAGCCACGATGAAAGGAAGTAGCTCTGCTTCCAT-3'
Protein context (NP_001934.2, residues 674-694): PVDQGGSLVG[Arg684Lys]NGVGGMAKEA

ClinVar aggregate classification (germline): Uncertain significance (1 of 4 stars; one submission).

Conditions:
Arrhythmogenic right ventricular cardiomyopathy (ARVD). Also called: Arrhythmogenic right ventricular dysplasia; Cardiomyopathy, ARVC; Arrhythmogenic cardiomyopathy; Arrhythmogenic Right Ventricular Cardiomyopathy (ARVC). Identifiers: Orphanet 247, MedGen C0349788, MeSH D019571, MONDO:0016587. Disease mechanism: loss of function. Inheritance: Various modes of inheritance.

Submission:

All of Us Research Program, National Institutes of Health
Classification: Uncertain significance for Arrhythmogenic right ventricular cardiomyopathy. Last evaluated: 2024-03-24. Review status: criteria provided, single submitter. Criteria: ACMG Guidelines, 2015. Collection method: clinical testing. Allele origin: germline. Inheritance: Autosomal dominant inheritance. Observed: 1 variant allele, 1 heterozygote.
Comment: This missense variant replaces arginine with lysine at codon 684 of the DSG2 protein. Computational prediction suggests that this variant may not impact protein structure and function (internally defined REVEL score threshold <= 0.5, PMID: 27666373). To our knowledge, functional studies have not been reported for this variant. This variant has not been reported in individuals affected with DSG2-related disorders in the literature. This variant has not been identified in the general population by the Genome Aggregation Database (gnomAD). The available evidence is insufficient to determine the role of this variant in disease conclusively. Therefore, this variant is classified as a Variant of Uncertain Significance.

This study involves interpretation of variants in research participants for the purpose of population health screening. Participant phenotype was not available at the time of variant classification. Additional details can be found in publication PMID: 35346344, PMCID: PMC8962531